The following is an entry in ClinVar:

NM_003334.4(UBA1):c.2078G>A (p.Arg693His)

Gene: UBA1 (ubiquitin like modifier activating enzyme 1; plus strand). Cytogenetic location: Xp11.3.
Variant type: single nucleotide variant.
Coding change: c.2078G>A on transcript NM_003334.4 (MANE Select); coding-DNA position 2078, G replaced by A.
Protein change: p.Arg693His; replaces arginine 693 with histidine.
Molecular consequence: missense variant.
Genome position (GRCh38, 1-based): chrX:47,210,002, G>A. VCF-style: chrX-47210002-G-A. GRCh37 (hg19) VCF-style: chrX-47069401-G-A.
Other names: c.2078G>A, p.Arg693His (NM_153280.3); short protein forms R693H.
Identifiers: ClinVar variation 2894583 (VCV002894583.3), dbSNP rs1372895067, ClinGen allele CA412806707.
Genomic context (GRCh38, chrX:47,210,002, plus strand): 5'-TGGAGCGAACACTGCGGCTGGCAGGCACTCAGCCCTTGGAGGTGCTGGAGGCTGTGCAGC[G>A]CAGCCTGGTGCTGCAGCGACCACAGACCTGGGCTGACTGCGTGACCTGGGCCTGCCACCA-3'
Protein context (NP_003325.2, residues 683-703): QPLEVLEAVQ[Arg693His]SLVLQRPQTW

ClinVar aggregate classification (germline): Uncertain significance (1 of 4 stars; one submission).

Conditions:
Infantile-onset X-linked spinal muscular atrophy. Also called: Spinal muscular atrophy, X-linked 2; SPINAL MUSCULAR ATROPHY, X-LINKED LETHAL INFANTILE; Spinal Muscular Atrophy, X-Linked Infantile; ARTHROGRYPOSIS, X-LINKED, TYPE I; AMC, DISTAL, X-LINKED. Identifiers: Orphanet 1145, MedGen C1844934, MONDO:0010532, OMIM 301830.

Allele frequency attached by ClinVar (database versions not stated): TOPMed below 0.00001; gnomAD 0.00001; gnomAD exomes 0.00002.
gnomAD v4.1: 22 of 1,210,166 alleles (0.0018%); highest among the groups gnomAD compares: Non-Finnish European, 0.0023%; no homozygotes.

Submission:

Labcorp Genetics (formerly Invitae), Labcorp
Classification: Uncertain significance for Infantile-onset X-linked spinal muscular atrophy. Last evaluated: 2023-09-10. Review status: criteria provided, single submitter. Criteria: Invitae Variant Classification Sherloc (09022015). Collection method: clinical testing. Allele origin: germline.
Comment: This sequence change replaces arginine, which is basic and polar, with histidine, which is basic and polar, at codon 693 of the UBA1 protein (p.Arg693His). This variant is not present in population databases (gnomAD no frequency). This variant has not been reported in the literature in individuals affected with UBA1-related conditions. An algorithm developed to predict the effect of missense changes on protein structure and function (PolyPhen-2) suggests that this variant is likely to be tolerated. In summary, the available evidence is currently insufficient to determine the role of this variant in disease. Therefore, it has been classified as a Variant of Uncertain Significance.